The following is an entry in ClinVar:

ClinVar aggregate classification (germline): Uncertain significance (1 of 4 stars; one submission).

Conditions:
Polycystic kidney disease, adult type (PKD1). Also called: POLYCYSTIC KIDNEY DISEASE 1 WITH OR WITHOUT POLYCYSTIC LIVER DISEASE; POLYCYSTIC KIDNEY DISEASE, ADULT, TYPE I; Polycystic Kidney, Autosomal Dominant; Polycystic Kidney Disease 1, Autosomal Dominant; Polycystic kidney disease 1; Polycystic kidney disease 1, severe. Identifiers: MedGen C3149841, MONDO:0008263, OMIM 173900.

Allele frequency attached by ClinVar (database versions not stated): gnomAD exomes 0.00001.

Submission:

ARUP Laboratories, Molecular Genetics and Genomics, ARUP Laboratories
Classification: Uncertain significance for Polycystic kidney disease, adult type. Last evaluated: 2019-01-06. Review status: criteria provided, single submitter. Criteria: ARUP Molecular Germline Variant Investigation Process. Collection method: clinical testing. Allele origin: germline.
Comment: The PKD1 c.6313A>G; p.Thr2105Ala variant, to our knowledge, is not reported in the medical literature or gene specific databases. This variant is only observed on one allele in the Genome Aggregation Database, indicating it is not a common polymorphism. The threonine at codon 2105 is moderately conserved, and computational analyses (SIFT, PolyPhen-2) predict that this variant is deleterious. Due to limited information, the clinical significance of the p.Thr2105Ala variant is uncertain at this time.

NM_001009944.3(PKD1):c.6313A>G (p.Thr2105Ala)

Gene: PKD1 (polycystin 1, transient receptor potential channel interacting; minus strand). Cytogenetic location: 16p13.3.
Variant type: single nucleotide variant.
Coding change: c.6313A>G on transcript NM_001009944.3 (MANE Select); coding-DNA position 6313, A replaced by G.
Protein change: p.Thr2105Ala; replaces threonine 2105 with alanine.
Molecular consequence: missense variant.
Genome position (GRCh38, 1-based): chr16:2,108,854, T>C on the plus strand (A>G on the coding strand, the complement: PKD1 is on the minus strand). VCF-style: chr16-2108854-T-C. GRCh37 (hg19) VCF-style: chr16-2158855-T-C.
Other names: c.6313A>G, p.Thr2105Ala (NM_000296.4); short protein forms T2105A.
Identifiers: ClinVar variation 811876 (VCV000811876.8), dbSNP rs1229710301, ClinGen allele CA394373809.